The following is an entry in ClinVar:

NM_006231.4(POLE):c.5294_5297dup (p.Glu1767fs)

Gene: POLE (DNA polymerase epsilon, catalytic subunit; minus strand). Cytogenetic location: 12q24.33.
Variant type: Duplication.
Coding change: c.5294_5297dup on transcript NM_006231.4 (MANE Select); coding-DNA positions 5294 to 5297, 4 bases duplicated (CCCT; older notation c.5294_5297dupCCCT).
Protein change: p.Glu1767fs; shifts the reading frame from glutamic acid 1767.
Molecular consequence: frameshift variant.
Genome position (GRCh38, 1-based): chr12:132,641,728-132,641,731, AGGG duplicated on the plus strand (CCCT on the coding strand, the reverse complement: POLE is on the minus strand); duplicating any 4 consecutive bases within chr12:132,641,728-132,641,734 gives the same sequence; the c. name uses the placement nearest the transcript's 3' end. VCF-style (leftmost placement, unchanged base first): chr12-132641727-C-CAGGG. GRCh37 (hg19) VCF-style: chr12-133218313-C-CAGGG.
Other names: short protein forms E1767fs.
Identifiers: ClinVar variation 4862282 (VCV004862282.1).

ClinVar aggregate classification (germline): Uncertain significance (1 of 4 stars; one submission).

Conditions:
Hereditary cancer-predisposing syndrome. Also called: Neoplastic Syndromes, Hereditary; Tumor predisposition; Hereditary Cancer Syndrome; Hereditary neoplastic syndrome. Identifiers: Orphanet 140162, MedGen C0027672, MeSH D009386, MONDO:0015356.

Submission:

Ambry Genetics
Classification: Uncertain significance for Hereditary cancer-predisposing syndrome. Last evaluated: 2026-05-01. Review status: criteria provided, single submitter. Criteria: Ambry Variant Classification Scheme 2023. Collection method: clinical testing. Allele origin: germline.
Comment: The c.5294_5297dupCCCT variant, located in coding exon 39 of the POLE gene, results from a duplication of CCCT at nucleotide position 5294, causing a translational frameshift with a predicted alternate stop codon (p.E1767Pfs*19). This alteration is expected to result in loss of function by premature protein truncation or nonsense-mediated mRNA decay. Although biallelic loss of function of POLE has been associated with autosomal recessive POLE deficiency, haploinsufficiency of POLE has not been established as a mechanism of disease for POLE-related polymerase proofreading-associated polyposis (PPAP) and POLE-related CMMRD-like syndrome. Based on the supporting evidence, this variant is expected to be causative of POLE deficiency when present along with a second pathogenic variant on the other allele; however, its clinical significance for PPAP and POLE-related CMMRD-like syndrome is unclear.